The following is an entry in ClinVar:

ClinVar aggregate classification (germline): Uncertain significance (1 of 4 stars; one submission).

gnomAD v4.1: 1 of 1,614,128 alleles (0.000062%); highest among the groups gnomAD compares: Admixed American, 0.0017%; no homozygotes.

Submission:

Labcorp Genetics (formerly Invitae), Labcorp
Classification: Uncertain significance. Last evaluated: 2023-11-27. Review status: criteria provided, single submitter. Criteria: Invitae Variant Classification Sherloc (09022015). Collection method: clinical testing. Allele origin: germline.
Comment: This sequence change replaces valine, which is neutral and non-polar, with leucine, which is neutral and non-polar, at codon 1100 of the IMPG2 protein (p.Val1100Leu). This variant is present in population databases (no rsID available, gnomAD 0.003%). This variant has not been reported in the literature in individuals affected with IMPG2-related conditions. ClinVar contains an entry for this variant (Variation ID: 2057182). Advanced modeling of protein sequence and biophysical properties (such as structural, functional, and spatial information, amino acid conservation, physicochemical variation, residue mobility, and thermodynamic stability) performed at Invitae indicates that this missense variant is not expected to disrupt IMPG2 protein function with a negative predictive value of 80%. In summary, the available evidence is currently insufficient to determine the role of this variant in disease. Therefore, it has been classified as a Variant of Uncertain Significance.

NM_016247.4(IMPG2):c.3298G>T (p.Val1100Leu)

Gene: IMPG2 (interphotoreceptor matrix proteoglycan 2; minus strand). Cytogenetic location: 3q12.3.
Variant type: single nucleotide variant.
Coding change: c.3298G>T on transcript NM_016247.4 (MANE Select); coding-DNA position 3298, G replaced by T.
Protein change: p.Val1100Leu; replaces valine 1100 with leucine.
Molecular consequence: missense variant.
Genome position (GRCh38, 1-based): chr3:101,231,081, C>A on the plus strand (G>T on the coding strand, the complement: IMPG2 is on the minus strand). VCF-style: chr3-101231081-C-A. GRCh37 (hg19) VCF-style: chr3-100949925-C-A.
Other names: short protein forms V1100L.
Identifiers: ClinVar variation 2057182 (VCV002057182.4), dbSNP rs201105142, ClinGen allele CA353848795.